The following is an entry in ClinVar:

NM_001162383.2(ARHGEF2):c.2527G>T (p.Glu843Ter)

Gene: ARHGEF2 (Rho/Rac guanine nucleotide exchange factor 2; minus strand). Cytogenetic location: 1q22.
Variant type: single nucleotide variant.
Coding change: c.2527G>T on transcript NM_001162383.2 (MANE Select); coding-DNA position 2527, G replaced by T.
Protein change: p.Glu843Ter; replaces glutamic acid 843 with a stop codon.
Molecular consequence: nonsense.
Genome position (GRCh38, 1-based): chr1:155,951,005, C>A on the plus strand (G>T on the coding strand, the complement: ARHGEF2 is on the minus strand). VCF-style: chr1-155951005-C-A. GRCh37 (hg19) VCF-style: chr1-155920796-C-A.
Other names: c.2524G>T, p.Glu842Ter (NM_001162384.2); c.2446G>T, p.Glu816Ter (NM_001350110.2, NM_001350111.2); c.2473G>T, p.Glu825Ter (NM_001350112.2); c.2443G>T, p.Glu815Ter (NM_004723.4); short protein forms E815*, E816*, E825*, E842*, E843*.
Identifiers: ClinVar variation 4845829 (VCV004845829.1).

ClinVar aggregate classification (germline): Likely pathogenic (1 of 4 stars; one submission).

Conditions:
Neurodevelopmental disorder with midbrain and hindbrain malformations (NEDMHM). Identifiers: MedGen C4479613, MONDO:0056797, OMIM 617523.

Submission:

First Genomix Gene Laboratory, Genetic Diagnostics Department
Classification: Likely pathogenic for Neurodevelopmental disorder with midbrain and hindbrain malformations. Last evaluated: 2025-03-27. Review status: criteria provided, single submitter. Criteria: ACMG Guidelines, 2015. Collection method: clinical testing. Allele origin: germline. Inheritance: Autosomal recessive inheritance. Affected: no. Observed: 1 variant allele.